The following is an entry in ClinVar:

NM_001375808.2(LPIN2):c.1940C>T (p.Ala647Val)

Gene: LPIN2 (lipin 2; minus strand). Cytogenetic location: 18p11.31.
Variant type: single nucleotide variant.
Coding change: c.1940C>T on transcript NM_001375808.2 (MANE Select); coding-DNA position 1940, C replaced by T.
Protein change: p.Ala647Val; replaces alanine 647 with valine.
Molecular consequence: missense variant.
Genome position (GRCh38, 1-based): chr18:2,924,545, G>A on the plus strand (C>T on the coding strand, the complement: LPIN2 is on the minus strand). VCF-style: chr18-2924545-G-A. GRCh37 (hg19) VCF-style: chr18-2924543-G-A.
Other names: c.1940C>T, p.Ala647Val (NM_001375809.1, NM_014646.2); short protein forms A647V.
Identifiers: ClinVar variation 956375 (VCV000956375.10), dbSNP rs2077102755, ClinGen allele CA401701150.

ClinVar aggregate classification (germline): Uncertain significance (1 of 4 stars; one submission).

Conditions:
Majeed syndrome (MJDS). Also called: CHRONIC RECURRENT MULTIFOCAL OSTEOMYELITIS 1, WITH CONGENITAL DYSERYTHROPOIETIC ANEMIA, WITH OR WITHOUT NEUTROPHILIC DERMATOSIS; LPIN2-Related Majeed Syndrome. Identifiers: Orphanet 77297, MedGen C1864997, MONDO:0012316, OMIM 609628.

gnomAD v4.1: 4 of 1,614,076 alleles (0.00025%); highest among the groups gnomAD compares: Non-Finnish European, 0.00034%; no homozygotes.

Submission:

Labcorp Genetics (formerly Invitae), Labcorp
Classification: Uncertain significance for Majeed syndrome. Last evaluated: 2022-10-17. Review status: criteria provided, single submitter. Criteria: Invitae Variant Classification Sherloc (09022015). Collection method: clinical testing. Allele origin: germline.
Comment: In summary, the available evidence is currently insufficient to determine the role of this variant in disease. Therefore, it has been classified as a Variant of Uncertain Significance. Algorithms developed to predict the effect of missense changes on protein structure and function are either unavailable or do not agree on the potential impact of this missense change (SIFT: "Tolerated"; PolyPhen-2: "Possibly Damaging"; Align-GVGD: "Class C0"). ClinVar contains an entry for this variant (Variation ID: 956375). This variant has not been reported in the literature in individuals affected with LPIN2-related conditions. This variant is not present in population databases (gnomAD no frequency). This sequence change replaces alanine, which is neutral and non-polar, with valine, which is neutral and non-polar, at codon 647 of the LPIN2 protein (p.Ala647Val).